The following is an entry in ClinVar:

NM_004100.5(EYA4):c.1222C>T (p.Arg408Cys)

Genes: EYA4 (EYA transcriptional coactivator and phosphatase 4; plus strand), TARID (TCF21 antisense RNA inducing promoter demethylation; minus strand), LOC126859796 (MED14-independent group 3 enhancer GRCh37_chr6:133826289-133827488; plus strand). Cytogenetic location: 6q23.2.
Variant type: single nucleotide variant.
Coding change: c.1222C>T on transcript NM_004100.5 (MANE Select); coding-DNA position 1222, C replaced by T.
Protein change: p.Arg408Cys; replaces arginine 408 with cysteine.
Molecular consequence: missense variant. On other transcripts: non-coding transcript variant (1).
Genome position (GRCh38, 1-based): chr6:133,506,136, C>T. VCF-style: chr6-133506136-C-T. GRCh37 (hg19) VCF-style: chr6-133827274-C-T.
Other names: c.1060C>T, p.Arg354Cys (NM_001301012.2); c.1240C>T, p.Arg414Cys (NM_001301013.2); c.1153C>T, p.Arg385Cys (NM_001370458.1, NM_172103.4); c.1078C>T, p.Arg360Cys (NM_001370459.1); c.1222C>T, p.Arg408Cys (NM_172105.4); short protein forms R360C, R385C, R408C, R414C, R354C.
Identifiers: ClinVar variation 1010574 (VCV001010574.12), dbSNP rs775741050, ClinGen allele CA4008302.

ClinVar aggregate classification (germline): Uncertain significance. Review status: criteria provided, multiple submitters, no conflicts (2 of 4 stars). 3 submissions from 3 submitters: Uncertain significance (3). Last evaluated 2026-07-28.

Conditions:
EYA4-related disorder. Also called: EYA4-related disorders; EYA4-related condition. Identifiers: MedGen CN239388.
Cardiovascular phenotype. Identifiers: MedGen CN230736.
Dilated cardiomyopathy 1J (CMD1J). Also called: CARDIOMYOPATHY, DILATED, WITH SENSORINEURAL HEARING LOSS, AUTOSOMAL DOMINANT. Identifiers: Orphanet 217622, MedGen C1854368, MONDO:0011541, OMIM 605362.

Allele frequency attached by ClinVar (database versions not stated): gnomAD 0.00001; gnomAD exomes 0.00003 and 0.00010; TOPMed 0.00005; ExAC 0.00010.
gnomAD v4.1: 45 of 1,611,484 alleles (0.0028%); highest among the groups gnomAD compares: Admixed American, 0.038%; no homozygotes.

Submissions (3):

PreventionGenetics, part of Exact Sciences
Classification: Uncertain significance for EYA4-related condition. Last evaluated: 2026-07-28. Review status: criteria provided, single submitter. Criteria: ACMG Guidelines, 2015. Collection method: clinical testing. Allele origin: germline.
Comment: The EYA4 c.1222C>T variant is predicted to result in the amino acid substitution p.Arg408Cys. To our knowledge, this variant has not been reported in the literature. This variant is reported in 0.058% of alleles in individuals of Latino descent in gnomAD. Although we suspect that this variant may be benign, at this time, the clinical significance of this variant is uncertain due to the absence of conclusive functional and genetic evidence.

Labcorp Genetics (formerly Invitae), Labcorp
Classification: Uncertain significance for Dilated cardiomyopathy 1J. Last evaluated: 2025-12-22. Review status: criteria provided, single submitter. Criteria: Invitae Variant Classification Sherloc (09022015). Collection method: clinical testing. Allele origin: germline.
Comment: This sequence change replaces arginine, which is basic and polar, with cysteine, which is neutral and slightly polar, at codon 408 of the EYA4 protein (p.Arg408Cys). This variant is present in population databases (rs775741050, gnomAD 0.06%), and has an allele count higher than expected for a pathogenic variant. This variant has not been reported in the literature in individuals affected with EYA4-related conditions. ClinVar contains an entry for this variant (Variation ID: 1010574). Invitae Evidence Modeling of protein sequence and biophysical properties (such as structural, functional, and spatial information, amino acid conservation, physicochemical variation, residue mobility, and thermodynamic stability) indicates that this missense variant is not expected to disrupt EYA4 protein function with a negative predictive value of 80%. In summary, the available evidence is currently insufficient to determine the role of this variant in disease. Therefore, it has been classified as a Variant of Uncertain Significance.

Ambry Genetics
Classification: Uncertain significance for Cardiovascular phenotype. Last evaluated: 2025-05-25. Review status: criteria provided, single submitter. Criteria: Ambry Variant Classification Scheme 2023. Collection method: clinical testing. Allele origin: germline.